The following is an entry in ClinVar:

ClinVar aggregate classification (germline): Conflicting classifications of pathogenicity. Review status: criteria provided, conflicting classifications (1 of 4 stars). 5 submissions from 5 submitters: Uncertain significance (1); Likely benign (3). 1 of the submissions does not count toward it. Last evaluated 2025-10-10.

Conditions:
Developmental and epileptic encephalopathy, 69. Also called: EPILEPTIC ENCEPHALOPATHY, EARLY INFANTILE, 69. Identifiers: MedGen C4748988, MONDO:0032657, OMIM 618285.

Allele frequency attached by ClinVar (database versions not stated): gnomAD exomes 0.00002; ExAC 0.00003; TOPMed 0.00003; gnomAD 0.00006 and 0.00007.
gnomAD v4.1: 44 of 1,604,242 alleles (0.0027%); highest among the groups gnomAD compares: African/African-American, 0.004%; no homozygotes.

Submissions (5):

Labcorp Genetics (formerly Invitae), Labcorp
Classification: Likely benign. Last evaluated: 2025-10-10. Review status: criteria provided, single submitter. Criteria: Invitae Variant Classification Sherloc (09022015). Collection method: clinical testing. Allele origin: germline.

Laboratory of Genetics, Children's Clinical University Hospital Latvia
Classification: Likely benign. Last evaluated: 2025-02-16. Review status: criteria provided, single submitter. Criteria: ACMG Guidelines, 2015. Collection method: clinical testing. Allele origin: germline. Affected: yes.

CeGaT Center for Human Genetics Tuebingen
Classification: Likely benign. Last evaluated: 2024-05-01. Review status: criteria provided, single submitter. Criteria: CeGaT Center For Human Genetics Tuebingen Variant Classification Criteria Version 2. Collection method: clinical testing. Allele origin: germline. Affected: yes. Observed: 1 variant allele.
Comment: CACNA1E: BS2

Neuberg Centre For Genomic Medicine, NCGM
Classification: Uncertain significance for Developmental and epileptic encephalopathy, 69. Review status: criteria provided, single submitter. Criteria: ACMG Guidelines, 2015. Collection method: clinical testing. Allele origin: germline. Inheritance: Autosomal dominant inheritance. Affected: yes.
Comment: The c.6856C>T (p.Arg2286Trp) missense variant in CACNA1E gene has been submitted to ClinVar as a Variant of Uncertain Significance, but no details are available for independent assessment. It has not been reported in affected individuals. The p.Arg2286Trp variant is reported with the allele frequency (0.002%) in the gnomAD Exomes and is novel (not in any individuals) in 1000 Genomes. The amino acid Arg at position 2286 is changed to a Trp changing protein sequence and it might alter its composition and physico-chemical properties. The amino acid change p.Arg2286Trp in CACNA1E is predicted as conserved by GERP++ and PhyloP across 100 vertebrates. For these reasons, this variant has been classified as Variant of Uncertain Significance (VUS).

Biochemical Molecular Genetic Laboratory, King Abdulaziz Medical City
Classification: Uncertain significance for Developmental and epileptic encephalopathy, 69. Last evaluated: 2019-09-26. Review status: no assertion criteria provided. Collection method: clinical testing. Allele origin: germline. Affected: yes. Not counted in ClinVar's aggregate classification.

NM_001205293.3(CACNA1E):c.6856C>T (p.Arg2286Trp)

Gene: CACNA1E (calcium voltage-gated channel subunit alpha1 E; plus strand). Cytogenetic location: 1q25.3.
Variant type: single nucleotide variant.
Coding change: c.6856C>T on transcript NM_001205293.3 (MANE Select); coding-DNA position 6856, C replaced by T.
Protein change: p.Arg2286Trp; replaces arginine 2286 with tryptophan.
Molecular consequence: missense variant.
Genome position (GRCh38, 1-based): chr1:181,798,748, C>T. VCF-style: chr1-181798748-C-T. GRCh37 (hg19) VCF-style: chr1-181767884-C-T.
Other names: c.6727C>T, p.Arg2243Trp (NM_000721.4); c.6670C>T, p.Arg2224Trp (NM_001205294.2); short protein forms R2224W, R2243W, R2286W.
Identifiers: ClinVar variation 800996 (VCV000800996.28), dbSNP rs762766720, ClinGen allele CA1276509.
Genomic context (GRCh38, chr1:181,798,748, plus strand): 5'-ATCGGCTCAGCCCCACCCCTGCGGCATAGCTGGCAGATGCCCAACGGGCACTATCGGCGG[C>T]GGAGGCGCGGGGGGCCTGGGCCAGGCATGATGTGTGGGGCTGTCAACAACCTGCTAAGTG-3'
Protein context (NP_001192222.1, residues 2276-2296): WQMPNGHYRR[Arg2286Trp]RRGGPGPGMM